The following is an entry in ClinVar:

NM_016356.5(DCDC2):c.1313G>T (p.Ser438Ile)

Gene: DCDC2 (doublecortin domain containing 2; minus strand). Cytogenetic location: 6p22.3.
Variant type: single nucleotide variant.
Coding change: c.1313G>T on transcript NM_016356.5 (MANE Select); coding-DNA position 1313, G replaced by T.
Protein change: p.Ser438Ile; replaces serine 438 with isoleucine.
Molecular consequence: missense variant.
Genome position (GRCh38, 1-based): chr6:24,178,343, C>A on the plus strand (G>T on the coding strand, the complement: DCDC2 is on the minus strand). VCF-style: chr6-24178343-C-A. GRCh37 (hg19) VCF-style: chr6-24178571-C-A.
Other names: c.1313G>T, p.Ser438Ile (NM_001195610.2); short protein forms S438I.
Identifiers: ClinVar variation 1992833 (VCV001992833.4), dbSNP rs1480906981, ClinGen allele CA363279646.
Genomic context (GRCh38, chr6:24,178,343, plus strand): 5'-ACACATATTCATGCATTCACATAAGCAAGCAAAAGCAATAGAAATACCTCATCTTGTCCA[C>A]TGCCAGCTCCTTGAGACTTTCTTTCCTTGTCTAGGACCAGTTGAAGCTCATTATTAACCT-3'
Protein context (NP_057440.2, residues 428-448): DKERKSQGAG[Ser438Ile]GQDEADVDPQ

ClinVar aggregate classification (germline): Uncertain significance (1 of 4 stars; one submission).

Conditions:
Autosomal recessive nonsyndromic hearing loss 66 (DFNB66). Also called: Deafness, autosomal recessive 66. Identifiers: Orphanet 90636, MedGen C1857750, MONDO:0012442, OMIM 610212.
Isolated neonatal sclerosing cholangitis (NSC). Also called: Sclerosing cholangitis, neonatal. Identifiers: Orphanet 480556, MedGen C4479344, MONDO:0018816, OMIM 617394.

Submission:

Labcorp Genetics (formerly Invitae), Labcorp
Classification: Uncertain significance for Autosomal recessive nonsyndromic hearing loss 66; Isolated neonatal sclerosing cholangitis. Last evaluated: 2022-05-10. Review status: criteria provided, single submitter. Criteria: Invitae Variant Classification Sherloc (09022015). Collection method: clinical testing. Allele origin: germline.
Comment: Algorithms developed to predict the effect of missense changes on protein structure and function (SIFT, PolyPhen-2, Align-GVGD) all suggest that this variant is likely to be tolerated. In summary, the available evidence is currently insufficient to determine the role of this variant in disease. Therefore, it has been classified as a Variant of Uncertain Significance. This variant has not been reported in the literature in individuals affected with DCDC2-related conditions. This variant is not present in population databases (gnomAD no frequency). This sequence change replaces serine, which is neutral and polar, with isoleucine, which is neutral and non-polar, at codon 438 of the DCDC2 protein (p.Ser438Ile).